The following is an entry in ClinVar:

ClinVar aggregate classification (germline): Pathogenic. Review status: criteria provided, multiple submitters, no conflicts (2 of 4 stars). 3 submissions from 3 submitters: Pathogenic (3). Last evaluated 2023-08-07.

Conditions:
Xeroderma pigmentosum, group C (XPC). Also called: Xeroderma pigmentosum, complementation group C; XPC-Related Xeroderma Pigmentosum; XERODERMA PIGMENTOSUM III; XP, GROUP C. Identifiers: Orphanet 910, MedGen C2752147, MONDO:0010211, OMIM 278720.

Allele frequency attached by ClinVar (database versions not stated): ExAC 0.00001.
gnomAD v4.1: 7 of 1,613,932 alleles (0.00043%); highest among the groups gnomAD compares: South Asian, 0.0033%; no homozygotes.

Submissions (3):

Baylor Genetics
Classification: Pathogenic for Xeroderma pigmentosum, group C. Last evaluated: 2023-08-07. Review status: criteria provided, single submitter. Criteria: ACMG Guidelines, 2015. Collection method: clinical testing. Allele origin: unknown.

Labcorp Genetics (formerly Invitae), Labcorp
Classification: Pathogenic. Last evaluated: 2023-06-20. Review status: criteria provided, single submitter. Criteria: Invitae Variant Classification Sherloc (09022015). Collection method: clinical testing. Allele origin: germline.
Comment: This sequence change creates a premature translational stop signal (p.Tyr559*) in the XPC gene. It is expected to result in an absent or disrupted protein product. Loss-of-function variants in XPC are known to be pathogenic (PMID: 23173980, 25256075). This variant is present in population databases (rs767569346, gnomAD 0.003%). This premature translational stop signal has been observed in individual(s) with xeroderma pigmentosum type C (PMID: 23278166, 25566891). ClinVar contains an entry for this variant (Variation ID: 944047). For these reasons, this variant has been classified as Pathogenic.

Suma Genomics
Classification: Pathogenic for Xeroderma pigmentosum, group C. Review status: criteria provided, single submitter. Criteria: ACMG Guidelines, 2015. Collection method: clinical testing. Allele origin: inherited. Inheritance: Autosomal recessive inheritance. Affected: yes.

Literature cited by the submitters: PubMed 23173980 (cited by Labcorp Genetics (formerly Invitae), Labcorp); PubMed 25256075 (cited by Labcorp Genetics (formerly Invitae), Labcorp); PubMed 23278166 (cited by Labcorp Genetics (formerly Invitae), Labcorp); PubMed 25566891 (cited by Labcorp Genetics (formerly Invitae), Labcorp).

NM_004628.5(XPC):c.1677C>G (p.Tyr559Ter)

Gene: XPC (XPC complex subunit, DNA damage recognition and repair factor; minus strand). Cytogenetic location: 3p25.1.
Variant type: single nucleotide variant.
Coding change: c.1677C>G on transcript NM_004628.5 (MANE Select); coding-DNA position 1677, C replaced by G.
Protein change: p.Tyr559Ter; replaces tyrosine 559 with a stop codon.
Molecular consequence: nonsense. On other transcripts: non-coding transcript variant (2), intron variant (1).
Genome position (GRCh38, 1-based): chr3:14,158,206, G>C on the plus strand (C>G on the coding strand, the complement: XPC is on the minus strand). VCF-style: chr3-14158206-G-C. GRCh37 (hg19) VCF-style: chr3-14199706-G-C.
Other names: c.1098C>G, p.Tyr366Ter (NM_001354726.2); c.1677C>G, p.Tyr559Ter (NM_001354727.2); c.1659C>G, p.Tyr553Ter (NM_001354729.2); c.1626+51C>G (NM_001354730.2); short protein forms Y553*, Y559*, Y366*.
Identifiers: ClinVar variation 944047 (VCV000944047.11), dbSNP rs767569346, ClinGen allele CA2267390.